The following is an entry in ClinVar:

ClinVar aggregate classification (germline): Uncertain significance (1 of 4 stars; one submission).

Conditions:
Arrhythmogenic cardiomyopathy with wooly hair and keratoderma. Also called: Carvajal syndrome; PALMOPLANTAR KERATODERMA WITH LEFT VENTRICULAR CARDIOMYOPATHY AND WOOLLY HAIR; Dilated cardiomyopathy with woolly hair and keratoderma; Arrhythmogenic cardiomyopathy with woolly hair and keratoderma. Identifiers: Orphanet 65282, MedGen C1854063, MONDO:0011581, OMIM 605676.

Submission:

All of Us Research Program, National Institutes of Health
Classification: Uncertain significance for Arrhythmogenic cardiomyopathy with wooly hair and keratoderma. Last evaluated: 2024-03-24. Review status: criteria provided, single submitter. Criteria: ACMG Guidelines, 2015. Collection method: clinical testing. Allele origin: germline. Inheritance: Autosomal dominant inheritance. Observed: 1 variant allele, 1 heterozygote.
Comment: This missense variant replaces asparagine with lysine at codon 1771 of the DSP protein. Computational prediction suggests that this variant may not impact protein structure and function (internally defined REVEL score threshold <= 0.5, PMID: 27666373). To our knowledge, functional studies have not been reported for this variant. This variant has not been reported in individuals affected with DSP-related disorders in the literature. This variant has not been identified in the general population by the Genome Aggregation Database (gnomAD). The available evidence is insufficient to determine the role of this variant in disease conclusively. Therefore, this variant is classified as a Variant of Uncertain Significance.

This study involves interpretation of variants in research participants for the purpose of population health screening. Participant phenotype was not available at the time of variant classification. Additional details can be found in publication PMID: 35346344, PMCID: PMC8962531

NM_004415.4(DSP):c.5313T>G (p.Asn1771Lys)

Gene: DSP (desmoplakin; plus strand). Cytogenetic location: 6p24.3.
Variant type: single nucleotide variant.
Coding change: c.5313T>G on transcript NM_004415.4 (MANE Select); coding-DNA position 5313, T replaced by G.
Protein change: p.Asn1771Lys; replaces asparagine 1771 with lysine.
Molecular consequence: missense variant. On other transcripts: intron variant (2).
Genome position (GRCh38, 1-based): chr6:7,581,503, T>G. VCF-style: chr6-7581503-T-G. GRCh37 (hg19) VCF-style: chr6-7581736-T-G.
Other names: c.4051-1139T>G (NM_001319034.2); c.3583-1139T>G (NM_001008844.3); short protein forms N1771K.
Identifiers: ClinVar variation 3386688 (VCV003386688.1).
Genomic context (GRCh38, chr6:7,581,503, plus strand): 5'-ACTAAGGAGCCAGCTGCAGATCAGCAACAACCGGACCCTGGAACTGCAGGGGCTGATTAA[T>G]GATTTACAGAGAGAGAGGGAAAATTTGAGACAGGAAATTGAGAAATTCCAAAAGCAGGCT-3'
Protein context (NP_004406.2, residues 1761-1781): NRTLELQGLI[Asn1771Lys]DLQRERENLR